The following is an entry in ClinVar:

ClinVar aggregate classification (germline): Uncertain significance. Review status: criteria provided, multiple submitters, no conflicts (2 of 4 stars). 2 submissions from 2 submitters: Uncertain significance (2). Last evaluated 2026-07-21.

Conditions:
ASXL2-related disorder. Also called: ASXL2-related condition.

Submissions (2):

PreventionGenetics, part of Exact Sciences
Classification: Uncertain significance for ASXL2-related condition. Last evaluated: 2026-07-21. Review status: criteria provided, single submitter. Criteria: ACMG Guidelines, 2015. Collection method: clinical testing. Allele origin: germline.
Comment: The ASXL2 c.107A>G variant is predicted to result in the amino acid substitution p.Gln36Arg. To our knowledge, this variant has not been reported in the literature or in a large population database (gnomAD), indicating this variant is rare. At this time, the clinical significance of this variant is uncertain due to the absence of conclusive functional and genetic evidence.

Greenwood Genetic Center Diagnostic Laboratories, Greenwood Genetic Center
Classification: Uncertain significance. Last evaluated: 2020-12-21. Review status: criteria provided, single submitter. Criteria: ACMG Guidelines, 2015. Collection method: clinical testing. Allele origin: germline. Affected: yes.
Comment: PM2

NM_018263.6(ASXL2):c.107A>G (p.Gln36Arg)

Gene: ASXL2 (ASXL transcriptional regulator 2; minus strand). Cytogenetic location: 2p23.3.
Variant type: single nucleotide variant.
Coding change: c.107A>G on transcript NM_018263.6 (MANE Select); coding-DNA position 107, A replaced by G.
Protein change: p.Gln36Arg; replaces glutamine 36 with arginine.
Molecular consequence: missense variant.
Genome position (GRCh38, 1-based): chr2:25,845,514, T>C on the plus strand (A>G on the coding strand, the complement: ASXL2 is on the minus strand). VCF-style: chr2-25845514-T-C. GRCh37 (hg19) VCF-style: chr2-26068383-T-C.
Other names: short protein forms Q36R.
Identifiers: ClinVar variation 1331549 (VCV001331549.5), dbSNP rs2149193278, ClinGen allele CA346259490.
Genomic context (GRCh38, chr2:25,845,514, plus strand): 5'-ATTACTAAAAATATTTAAATAACTCACCTGATTTCTTTTAGTCCTTCTCTCTGGATAACT[T>C]GAAGAATTTCTTTATGACTCATGGGTGTATTGGGGTATTTTTCTAAGACCTGAAAAACAA-3'
Protein context (NP_060733.4, residues 26-46): NTPMSHKEIL[Gln36Arg]VIQREGLKEI